The following is an entry in ClinVar:

ClinVar aggregate classification (germline): Conflicting classifications of pathogenicity. Review status: criteria provided, conflicting classifications (1 of 4 stars). 4 submissions from 4 submitters: Uncertain significance (1); Likely benign (3). Last evaluated 2025-12-16.

Conditions:
Infantile neuroaxonal dystrophy (NBIA2A). Also called: Infantile neuroaxonal dystrophy 1; NEURODEGENERATION WITH BRAIN IRON ACCUMULATION 2A; SEITELBERGER DISEASE. Identifiers: Orphanet 35069, MedGen C0270724, MONDO:0024457, OMIM 256600.
PLA2G6-associated neurodegeneration (PLAN). Also called: phospholipase A2-associated neurodegeneration. Identifiers: Orphanet 329303, MedGen CN204472, MONDO:0017998.

Allele frequency attached by ClinVar (database versions not stated): gnomAD exomes 0.00026 and 0.00022; ExAC 0.00027; ESP Exome Variant Server 0.00015; gnomAD 0.00017 and 0.00018; TOPMed 0.00024.
gnomAD v4.1: 401 of 1,610,690 alleles (0.025%); highest among the groups gnomAD compares: Middle Eastern, 0.2%; no homozygotes.

Submissions (5):

Labcorp Genetics (formerly Invitae), Labcorp
Classification: Likely benign for Infantile neuroaxonal dystrophy. Last evaluated: 2025-12-16. Review status: criteria provided, single submitter. Criteria: Invitae Variant Classification Sherloc (09022015). Collection method: clinical testing. Allele origin: germline.

CeGaT Center for Human Genetics Tuebingen
Classification: Likely benign. Last evaluated: 2024-01-01. Review status: criteria provided, single submitter. Criteria: CeGaT Center For Human Genetics Tuebingen Variant Classification Criteria Version 2. Collection method: clinical testing. Allele origin: germline. Affected: yes. Observed: 3 variant alleles.
Comment: PLA2G6: BP4, BP7

GeneDx
Classification: Likely benign. Last evaluated: 2021-10-11. Review status: criteria provided, single submitter. Criteria: GeneDx Variant Classification Process June 2021. Collection method: clinical testing. Allele origin: germline. Affected: yes.

Illumina Laboratory Services, Illumina
Classification: Uncertain significance for PLA2G6-associated neurodegeneration. Last evaluated: 2018-03-16. Review status: criteria provided, single submitter. Criteria: ICSL Variant Classification Criteria 13 December 2019. Collection method: clinical testing. Allele origin: germline.

Dr. Peter K. Rogan Lab, Western University
No classification provided (evidence only). Condition: Thyroid cancer, nonmedullary, 1. Review status: no classification provided. Collection method: in vitro. Allele origin: not applicable. Functional consequence: retained intron. Not counted in ClinVar's aggregate classification.

NM_003560.4(PLA2G6):c.396C>T (p.Arg132=)

Gene: PLA2G6 (phospholipase A2 group VI; minus strand). Cytogenetic location: 22q13.1.
Variant type: single nucleotide variant.
Coding change: c.396C>T on transcript NM_003560.4 (MANE Select); coding-DNA position 396, C replaced by T.
Protein change: p.Arg132=; no amino-acid change (arginine 132 retained).
Molecular consequence: synonymous variant. On other transcripts: 5 prime UTR variant (3).
Genome position (GRCh38, 1-based): chr22:38,145,467, G>A on the plus strand (C>T on the coding strand, the complement: PLA2G6 is on the minus strand). VCF-style: chr22-38145467-G-A. GRCh37 (hg19) VCF-style: chr22-38541474-G-A.
Other names: c.396C>T, p.Arg132= (NM_001004426.3, NM_001199562.3, NM_001349864.2 and 2 more transcripts); c.-139C>T (NM_001349867.2, NM_001349869.2); c.-95C>T (NM_001349868.2).
Identifiers: ClinVar variation 459998 (VCV000459998.55), dbSNP rs146252218, ClinGen allele CA10231284.